The following is an entry in ClinVar:

NM_001102564.3(IFT43):c.509ATG[1] (p.Asp171del)

Gene: IFT43 (intraflagellar transport 43; plus strand). Cytogenetic location: 14q24.3.
Variant type: Microsatellite.
Coding change: c.509ATG[1] on transcript NM_001102564.3 (MANE Select); one copy of the 3-base unit ATG starting at c.509; the reference has two copies in a row; one copy, 3 bases deleted.
Protein change: p.Asp171del; deletes aspartic acid 171.
Molecular consequence: inframe deletion. On other transcripts: non-coding transcript variant (2).
Genome position (GRCh38, 1-based): chr14:76,083,462-76,083,464, ATG deleted; deleting any 3 consecutive bases within chr14:76,083,458-76,083,464 gives the same sequence; the position shown is the placement nearest the transcript's 3' end. VCF-style (leftmost placement, unchanged base first): chr14-76083457-GGAT-G. GRCh37 (hg19) VCF-style: chr14-76549800-GGAT-G.
Other names: c.524ATG[1], p.Asp176del (NM_052873.3); c.523_525delGAT (NM_052873.3); short protein forms D171del, D176del.
Identifiers: ClinVar variation 1338759 (VCV001338759.2), dbSNP rs2140102081, ClinGen allele CA2580613730.
Genomic context (GRCh38, chr14:76,083,457, plus strand): 5'-TCAGCTACAGTTGAGGGAAAAGGCCTTTCTTTGTCTTACCCAGCGAAACCCTTCTTGGCA[GGAT>G]GATGTCGGCTGGGACTGGGACCATCTGTTCACTGAGGTGTCCTCAGAGGTCCTCACTGAG-3'

ClinVar aggregate classification (germline): Likely pathogenic (0 of 4 stars; one submission).

Conditions:
Short-rib thoracic dysplasia 18 with polydactyly. Identifiers: MedGen C4693420, MONDO:0036483, OMIM 617866.

Submission:

Institute of Medical Genetics and Genomics, Sir Ganga Ram Hospital
Classification: Likely pathogenic for Short-rib thoracic dysplasia 18 with polydactyly. Last evaluated: 2022-01-30. Review status: no assertion criteria provided. Collection method: clinical testing. Allele origin: germline. Inheritance: Autosomal recessive inheritance. Affected: yes. Observed: 1 homozygote.
Comment: The homozygous deletion variant c.523_525delGAT (p.D176del) has not been observed in gnomAD and 1000g. In-silico bioinformatic software predict this variant by mutation taster as Disease causing. Short rib thoracic dysplasia 18 is an autosomal recessive disorder. Based on the phenotypic observation, we classify this variant as variant of uncertain significance-likely pathogenic.